The following is an entry in ClinVar:

ClinVar aggregate classification (germline): Uncertain significance. Review status: criteria provided, multiple submitters, no conflicts (2 of 4 stars). 2 submissions from 2 submitters: Uncertain significance (2). Last evaluated 2025-11-03.

Conditions:
Ectodermal dysplasia and immunodeficiency 2. Identifiers: Orphanet 238468, Orphanet 98813, MedGen C2677481, MONDO:0012806, OMIM 612132.

Allele frequency attached by ClinVar (database versions not stated): gnomAD exomes 0.00001.
gnomAD v4.1: 4 of 1,614,192 alleles (0.00025%); highest among the groups gnomAD compares: Admixed American, 0.0067%; no homozygotes.

Submissions (2):

Labcorp Genetics (formerly Invitae), Labcorp
Classification: Uncertain significance for Ectodermal dysplasia and immunodeficiency 2. Last evaluated: 2025-11-03. Review status: criteria provided, single submitter. Criteria: Invitae Variant Classification Sherloc (09022015). Collection method: clinical testing. Allele origin: germline.
Comment: This sequence change replaces aspartic acid, which is acidic and polar, with asparagine, which is neutral and polar, at codon 285 of the NFKBIA protein (p.Asp285Asn). This variant is present in population databases (no rsID available, gnomAD 0.009%). This variant has not been reported in the literature in individuals affected with NFKBIA-related conditions. ClinVar contains an entry for this variant (Variation ID: 1334017). An algorithm developed to predict the effect of missense changes on protein structure and function (PolyPhen-2) suggests that this variant is likely to be disruptive. In summary, the available evidence is currently insufficient to determine the role of this variant in disease. Therefore, it has been classified as a Variant of Uncertain Significance.

CENTOGENE GmbH and LLC - Guiding Precision Medicine
Classification: Uncertain significance for Ectodermal dysplasia and immunodeficiency 2. Last evaluated: 2018-11-01. Review status: criteria provided, single submitter. Criteria: ACMG Guidelines, 2015. Collection method: clinical testing. Allele origin: germline. Affected: yes.

NM_020529.3(NFKBIA):c.853G>A (p.Asp285Asn)

Gene: NFKBIA (NFKB inhibitor alpha; minus strand). Cytogenetic location: 14q13.2.
Variant type: single nucleotide variant.
Coding change: c.853G>A on transcript NM_020529.3 (MANE Select); coding-DNA position 853, G replaced by A.
Protein change: p.Asp285Asn; replaces aspartic acid 285 with asparagine.
Molecular consequence: missense variant.
Genome position (GRCh38, 1-based): chr14:35,402,447, C>T on the plus strand (G>A on the coding strand, the complement: NFKBIA is on the minus strand). VCF-style: chr14-35402447-C-T. GRCh37 (hg19) VCF-style: chr14-35871653-C-T.
Other names: short protein forms D285N.
Identifiers: ClinVar variation 1334017 (VCV001334017.7), dbSNP rs1448842981, ClinGen allele CA389451958.
Genomic context (GRCh38, chr14:35,402,447, plus strand): 5'-GACTCACCTCGTCCTCTGTGAACTCCGTGAACTCTGACTCTGTGTCATAGCTCTCCTCAT[C>T]CTCACTCTCTGGCAGCATCTGAAGGTTTTCTAGTGTCAGCTGGCCCAGCTGCTGCTGTAT-3'
Protein context (NP_065390.1, residues 275-295): ENLQMLPESE[Asp285Asn]EESYDTESEF